The following is an entry in ClinVar:

NM_006767.4(LZTR1):c.1373G>A (p.Gly458Asp)

Gene: LZTR1 (leucine zipper like post translational regulator 1; plus strand). Cytogenetic location: 22q11.21.
Variant type: single nucleotide variant.
Coding change: c.1373G>A on transcript NM_006767.4 (MANE Select); coding-DNA position 1373, G replaced by A.
Protein change: p.Gly458Asp; replaces glycine 458 with aspartic acid.
Molecular consequence: missense variant.
Genome position (GRCh38, 1-based): chr22:20,993,943, G>A. VCF-style: chr22-20993943-G-A. GRCh37 (hg19) VCF-style: chr22-21348232-G-A.
Other names: short protein forms G458D.
Identifiers: ClinVar variation 1414445 (VCV001414445.9), dbSNP rs1303528589, ClinGen allele CA410775056.

ClinVar aggregate classification (germline): Uncertain significance. Review status: criteria provided, multiple submitters, no conflicts (2 of 4 stars). 2 submissions from 2 submitters: Uncertain significance (2). Last evaluated 2025-03-22.

Conditions:
Hereditary cancer-predisposing syndrome. Also called: Hereditary Cancer Syndrome; Tumor predisposition; Hereditary neoplastic syndrome; Neoplastic Syndromes, Hereditary. Identifiers: Orphanet 140162, MedGen C0027672, MeSH D009386, MONDO:0015356.
Cardiovascular phenotype. Identifiers: MedGen CN230736.

gnomAD v4.1: 2 of 1,612,298 alleles (0.00012%); highest among the groups gnomAD compares: Non-Finnish European, 0.00017%; no homozygotes.

Submissions (2):

Labcorp Genetics (formerly Invitae), Labcorp
Classification: Uncertain significance. Last evaluated: 2025-03-22. Review status: criteria provided, single submitter. Criteria: Invitae Variant Classification Sherloc (09022015). Collection method: clinical testing. Allele origin: germline.
Comment: This sequence change replaces glycine, which is neutral and non-polar, with aspartic acid, which is acidic and polar, at codon 458 of the LZTR1 protein (p.Gly458Asp). This variant is present in population databases (no rsID available, gnomAD 0.007%). This variant has not been reported in the literature in individuals affected with LZTR1-related conditions. ClinVar contains an entry for this variant (Variation ID: 1414445). Invitae Evidence Modeling of protein sequence and biophysical properties (such as structural, functional, and spatial information, amino acid conservation, physicochemical variation, residue mobility, and thermodynamic stability) indicates that this missense variant is not expected to disrupt LZTR1 protein function with a negative predictive value of 80%. In summary, the available evidence is currently insufficient to determine the role of this variant in disease. Therefore, it has been classified as a Variant of Uncertain Significance.

Ambry Genetics
Classification: Uncertain significance for Cardiovascular phenotype; Hereditary cancer-predisposing syndrome. Last evaluated: 2024-07-03. Review status: criteria provided, single submitter. Criteria: Ambry Variant Classification Scheme 2023. Collection method: clinical testing. Allele origin: germline.
Comment: The p.G458D variant (also known as c.1373G>A), located in coding exon 13 of the LZTR1 gene, results from a G to A substitution at nucleotide position 1373. The glycine at codon 458 is replaced by aspartic acid, an amino acid with similar properties. This amino acid position is highly conserved in available vertebrate species. In addition, this alteration is predicted to be deleterious by in silico analysis. Based on the available evidence, the clinical significance of this variant remains unclear.